The following is an entry in ClinVar:

NM_000098.3(CPT2):c.430G>C (p.Glu144Gln)

Gene: CPT2 (carnitine palmitoyltransferase 2; plus strand). Cytogenetic location: 1p32.3.
Variant type: single nucleotide variant.
Coding change: c.430G>C on transcript NM_000098.3 (MANE Select); coding-DNA position 430, G replaced by C.
Protein change: p.Glu144Gln; replaces glutamic acid 144 with glutamine.
Molecular consequence: missense variant.
Genome position (GRCh38, 1-based): chr1:53,210,104, G>C. VCF-style: chr1-53210104-G-C. GRCh37 (hg19) VCF-style: chr1-53675776-G-C.
Other names: c.430G>C, p.Glu144Gln (NM_001330589.2); short protein forms E144Q.
Identifiers: ClinVar variation 1398310 (VCV001398310.5), dbSNP rs2100271761, ClinGen allele CA340392103.

ClinVar aggregate classification (germline): Uncertain significance (1 of 4 stars; one submission).

Conditions:
Carnitine palmitoyltransferase II deficiency. Also called: Carnitine Palmitoyltransferase 2 Deficiency. Identifiers: Orphanet 157, MedGen C0342790, MONDO:0015515.

Allele frequency attached by ClinVar (database versions not stated): gnomAD exomes 0.00001.

Submission:

Labcorp Genetics (formerly Invitae), Labcorp
Classification: Uncertain significance for Carnitine palmitoyltransferase II deficiency. Last evaluated: 2022-10-05. Review status: criteria provided, single submitter. Criteria: Invitae Variant Classification Sherloc (09022015). Collection method: clinical testing. Allele origin: germline.
Comment: This sequence change replaces glutamic acid, which is acidic and polar, with glutamine, which is neutral and polar, at codon 144 of the CPT2 protein (p.Glu144Gln). This variant is not present in population databases (gnomAD no frequency). This variant has not been reported in the literature in individuals affected with CPT2-related conditions. ClinVar contains an entry for this variant (Variation ID: 1398310). Advanced modeling of protein sequence and biophysical properties (such as structural, functional, and spatial information, amino acid conservation, physicochemical variation, residue mobility, and thermodynamic stability) performed at Invitae indicates that this missense variant is not expected to disrupt CPT2 protein function. In summary, the available evidence is currently insufficient to determine the role of this variant in disease. Therefore, it has been classified as a Variant of Uncertain Significance.